The following is an entry in ClinVar:

ClinVar aggregate classification (germline): Uncertain significance (1 of 4 stars; one submission).

Submission:

Labcorp Genetics (formerly Invitae), Labcorp
Classification: Uncertain significance. Last evaluated: 2023-10-17. Review status: criteria provided, single submitter. Criteria: Invitae Variant Classification Sherloc (09022015). Collection method: clinical testing. Allele origin: germline.
Comment: This sequence change replaces methionine, which is neutral and non-polar, with lysine, which is basic and polar, at codon 734 of the LZTR1 protein (p.Met734Lys). This variant is not present in population databases (gnomAD no frequency). This variant has not been reported in the literature in individuals affected with LZTR1-related conditions. Advanced modeling of protein sequence and biophysical properties (such as structural, functional, and spatial information, amino acid conservation, physicochemical variation, residue mobility, and thermodynamic stability) performed at Invitae indicates that this missense variant is not expected to disrupt LZTR1 protein function. In summary, the available evidence is currently insufficient to determine the role of this variant in disease. Therefore, it has been classified as a Variant of Uncertain Significance.

NM_006767.4(LZTR1):c.2201T>A (p.Met734Lys)

Gene: LZTR1 (leucine zipper like post translational regulator 1; plus strand). Cytogenetic location: 22q11.21.
Variant type: single nucleotide variant.
Coding change: c.2201T>A on transcript NM_006767.4 (MANE Select); coding-DNA position 2201, T replaced by A.
Protein change: p.Met734Lys; replaces methionine 734 with lysine.
Molecular consequence: missense variant.
Genome position (GRCh38, 1-based): chr22:20,996,094, T>A. VCF-style: chr22-20996094-T-A. GRCh37 (hg19) VCF-style: chr22-21350383-T-A.
Other names: short protein forms M734K.
Identifiers: ClinVar variation 2801679 (VCV002801679.3), dbSNP rs2518624734, ClinGen allele CA410780019.